The following is an entry in ClinVar:

NM_138713.4(NFAT5):c.2040G>T (p.Gln680His)

Gene: NFAT5 (nuclear factor of activated T cells 5; plus strand). Cytogenetic location: 16q22.1.
Variant type: single nucleotide variant.
Coding change: c.2040G>T on transcript NM_138713.4 (MANE Select); coding-DNA position 2040, G replaced by T.
Protein change: p.Gln680His; replaces glutamine 680 with histidine.
Molecular consequence: missense variant.
Genome position (GRCh38, 1-based): chr16:69,691,865, G>T. VCF-style: chr16-69691865-G-T. GRCh37 (hg19) VCF-style: chr16-69725768-G-T.
Other names: c.1758G>T, p.Gln586His (NM_138714.4, NM_173214.3, NM_173215.3); c.2037G>T, p.Gln679His (NM_001113178.3); c.1365G>T, p.Gln455His (NM_001367709.1); c.1986G>T, p.Gln662His (NM_006599.4); short protein forms Q455H, Q586H, Q662H, Q679H, Q680H.
Identifiers: ClinVar variation 1933473 (VCV001933473.5), dbSNP rs2151718201, ClinGen allele CA396507092.

ClinVar aggregate classification (germline): Uncertain significance (1 of 4 stars; one submission).

Conditions:
Immunodeficiency. Identifiers: MedGen C0021051, MONDO:0021094, HP:0002721.

Submission:

Labcorp Genetics (formerly Invitae), Labcorp
Classification: Uncertain significance for Immunodeficiency. Last evaluated: 2022-02-20. Review status: criteria provided, single submitter. Criteria: Invitae Variant Classification Sherloc (09022015). Collection method: clinical testing. Allele origin: germline.
Comment: Algorithms developed to predict the effect of missense changes on protein structure and function (SIFT, PolyPhen-2, Align-GVGD) all suggest that this variant is likely to be tolerated. This variant has not been reported in the literature in individuals affected with NFAT5-related conditions. This variant is not present in population databases (gnomAD no frequency). This sequence change replaces glutamine, which is neutral and polar, with histidine, which is basic and polar, at codon 586 of the NFAT5 protein (p.Gln586His). In summary, the available evidence is currently insufficient to determine the role of this variant in disease. Therefore, it has been classified as a Variant of Uncertain Significance.